The following is an entry in ClinVar:

NM_001009944.3(PKD1):c.10020C>T (p.Ile3340=)

Gene: PKD1 (polycystin 1, transient receptor potential channel interacting; minus strand). Cytogenetic location: 16p13.3.
Variant type: single nucleotide variant.
Coding change: c.10020C>T on transcript NM_001009944.3 (MANE Select); coding-DNA position 10020, C replaced by T.
Protein change: p.Ile3340=; no amino-acid change (isoleucine 3340 retained).
Molecular consequence: synonymous variant.
Genome position (GRCh38, 1-based): chr16:2,099,674, G>A on the plus strand (C>T on the coding strand, the complement: PKD1 is on the minus strand). VCF-style: chr16-2099674-G-A. GRCh37 (hg19) VCF-style: chr16-2149675-G-A.
Other names: c.10020C>T, p.Ile3340= (NM_000296.4).
Identifiers: ClinVar variation 5000362 (VCV005000362.1).

ClinVar aggregate classification (germline): Likely benign (1 of 4 stars; one submission).

Conditions:
PKD1-related disorder. Also called: PKD1-related condition.

gnomAD v4.1: 15 of 1,594,684 alleles (0.00094%); highest among the groups gnomAD compares: African/African-American, 0.008%; no homozygotes.

Submission:

PreventionGenetics, part of Exact Sciences
Classification: Likely benign for PKD1-related condition. Last evaluated: 2026-02-20. Review status: criteria provided, single submitter. Criteria: ACMG Guidelines, 2015. Collection method: clinical testing. Allele origin: germline.
Comment: This variant is classified as likely benign based on ACMG/AMP sequence variant interpretation guidelines (Richards et al. 2015 PMID: 25741868, with internal and published modifications).